The following is an entry in ClinVar:

ClinVar aggregate classification (germline): Uncertain significance (1 of 4 stars; one submission).

Conditions:
Inborn genetic diseases. Identifiers: MedGen C0950123, MeSH D030342.

Submission:

Ambry Genetics
Classification: Uncertain significance for Inborn genetic diseases. Last evaluated: 2025-03-09. Review status: criteria provided, single submitter. Criteria: Ambry Variant Classification Scheme 2023. Collection method: clinical testing. Allele origin: germline.
Comment: The p.D1787N variant (also known as c.5359G>A), located in coding exon 21 of the FANCM gene, results from a G to A substitution at nucleotide position 5359. The aspartic acid at codon 1787 is replaced by asparagine, an amino acid with highly similar properties. This amino acid position is conserved. In addition, this alteration is predicted to be tolerated by in silico analysis. Based on the available evidence, the clinical significance of this variant remains unclear.

NM_020937.4(FANCM):c.5359G>A (p.Asp1787Asn)

Gene: FANCM (FA complementation group M; plus strand). Cytogenetic location: 14q21.2.
Variant type: single nucleotide variant.
Coding change: c.5359G>A on transcript NM_020937.4 (MANE Select); coding-DNA position 5359, G replaced by A.
Protein change: p.Asp1787Asn; replaces aspartic acid 1787 with asparagine.
Molecular consequence: missense variant.
Genome position (GRCh38, 1-based): chr14:45,196,190, G>A. VCF-style: chr14-45196190-G-A. GRCh37 (hg19) VCF-style: chr14-45665393-G-A.
Other names: c.5281G>A, p.Asp1761Asn (NM_001308133.2); short protein forms D1761N, D1787N.
Identifiers: ClinVar variation 3848810 (VCV003848810.1).